The following is an entry in ClinVar:

ClinVar aggregate classification (germline): Uncertain significance (1 of 4 stars; one submission).

Conditions:
DPF2-related disorder. Also called: DPF2-related condition.

Submission:

PreventionGenetics, part of Exact Sciences
Classification: Uncertain significance for DPF2-related condition. Last evaluated: 2025-07-10. Review status: criteria provided, single submitter. Criteria: ACMG Guidelines, 2015. Collection method: clinical testing. Allele origin: germline.
Comment: The DPF2 c.656A>G variant is predicted to result in the amino acid substitution p.His219Arg. To our knowledge, this variant has not been reported in the literature or in a large population database (gnomAD), indicating this variant is rare. At this time, the clinical significance of this variant is uncertain due to the absence of conclusive functional and genetic evidence.

NM_006268.5(DPF2):c.637+529A>G

Gene: DPF2 (double PHD fingers 2; plus strand). Cytogenetic location: 11q13.1.
Variant type: single nucleotide variant.
Coding change: c.637+529A>G on transcript NM_006268.5 (MANE Select); 529 bases into the intron after coding-DNA position 637, A replaced by G.
Molecular consequence: intron variant. On other transcripts: missense variant (1).
Genome position (GRCh38, 1-based): chr11:65,344,598, A>G. VCF-style: chr11-65344598-A-G. GRCh37 (hg19) VCF-style: chr11-65112069-A-G.
Other names: c.656A>G, p.His219Arg (NM_001330308.2); short protein forms H219R.
Identifiers: ClinVar variation 5002130 (VCV005002130.1).